The following is an entry in ClinVar:

ClinVar aggregate classification (germline): Uncertain significance (1 of 4 stars; one submission).

Allele frequency attached by ClinVar (database versions not stated): gnomAD 0.00001; ExAC 0.00002.
gnomAD v4.1: 23 of 1,614,054 alleles (0.0014%); highest among the groups gnomAD compares: Non-Finnish European, 0.0018%; no homozygotes.

Submission:

Labcorp Genetics (formerly Invitae), Labcorp
Classification: Uncertain significance. Last evaluated: 2025-02-17. Review status: criteria provided, single submitter. Criteria: Invitae Variant Classification Sherloc (09022015). Collection method: clinical testing. Allele origin: germline.
Comment: This sequence change replaces histidine, which is basic and polar, with arginine, which is basic and polar, at codon 1043 of the DNAH9 protein (p.His1043Arg). This variant is present in population databases (rs760204906, gnomAD 0.0009%). This variant has not been reported in the literature in individuals affected with DNAH9-related conditions. ClinVar contains an entry for this variant (Variation ID: 1414421). Invitae Evidence Modeling of protein sequence and biophysical properties (such as structural, functional, and spatial information, amino acid conservation, physicochemical variation, residue mobility, and thermodynamic stability) indicates that this missense variant is not expected to disrupt DNAH9 protein function with a negative predictive value of 80%. In summary, the available evidence is currently insufficient to determine the role of this variant in disease. Therefore, it has been classified as a Variant of Uncertain Significance.

NM_001372.4(DNAH9):c.3128A>G (p.His1043Arg)

Genes: DNAH9 (dynein axonemal heavy chain 9; plus strand), LOC126862505 (BRD4-independent group 4 enhancer GRCh37_chr17:11572478-11573677; plus strand). Cytogenetic location: 17p12.
Variant type: single nucleotide variant.
Coding change: c.3128A>G on transcript NM_001372.4 (MANE Select); coding-DNA position 3128, A replaced by G.
Protein change: p.His1043Arg; replaces histidine 1043 with arginine.
Molecular consequence: missense variant.
Genome position (GRCh38, 1-based): chr17:11,669,569, A>G. VCF-style: chr17-11669569-A-G. GRCh37 (hg19) VCF-style: chr17-11572886-A-G.
Other names: short protein forms H1043R.
Identifiers: ClinVar variation 1414421 (VCV001414421.8), dbSNP rs760204906, ClinGen allele CA8395367.
Genomic context (GRCh38, chr17:11,669,569, plus strand): 5'-AGGTTCTGGGTCAGTTTCTGCTGTACGGGCACATCCTCACTCCGGAAGAAATTGAAGACC[A>G]TGTGGAAGATGGCATCCCAGAGAACCCTCCCCTCCTTTCTCAGTTTAAAGTGCAAATCGA-3'
Protein context (NP_001363.2, residues 1033-1053): HILTPEEIED[His1043Arg]VEDGIPENPP